The following is an entry in ClinVar:

ClinVar aggregate classification (germline): Uncertain significance. Review status: criteria provided, multiple submitters, no conflicts (2 of 4 stars). 2 submissions from 2 submitters: Uncertain significance (2). Last evaluated 2025-03-17.

Conditions:
Neuroblastoma, susceptibility to, 3. Also called: ALK-Related Neuroblastic Tumor Susceptibility. Identifiers: Orphanet 635, MedGen C2751681, MONDO:0013083, OMIM 613014.
Hereditary cancer-predisposing syndrome. Also called: Neoplastic Syndromes, Hereditary; Hereditary neoplastic syndrome; Tumor predisposition; Hereditary Cancer Syndrome. Identifiers: Orphanet 140162, MedGen C0027672, MeSH D009386, MONDO:0015356.

Allele frequency attached by ClinVar (database versions not stated): gnomAD exomes below 0.00001.
gnomAD v4.1: 1 of 1,614,172 alleles (0.000062%); highest among the groups gnomAD compares: Non-Finnish European, 0.000085%; no homozygotes.

Submissions (2):

Labcorp Genetics (formerly Invitae), Labcorp
Classification: Uncertain significance for Neuroblastoma, susceptibility to, 3. Last evaluated: 2025-03-17. Review status: criteria provided, single submitter. Criteria: Invitae Variant Classification Sherloc (09022015). Collection method: clinical testing. Allele origin: germline.
Comment: This sequence change replaces isoleucine, which is neutral and non-polar, with valine, which is neutral and non-polar, at codon 1378 of the ALK protein (p.Ile1378Val). This variant is not present in population databases (gnomAD no frequency). This variant has not been reported in the literature in individuals affected with ALK-related conditions. ClinVar contains an entry for this variant (Variation ID: 846209). An algorithm developed to predict the effect of missense changes on protein structure and function (PolyPhen-2) suggests that this variant is likely to be tolerated. In summary, the available evidence is currently insufficient to determine the role of this variant in disease. Therefore, it has been classified as a Variant of Uncertain Significance.

Ambry Genetics
Classification: Uncertain significance for Hereditary cancer-predisposing syndrome. Last evaluated: 2024-01-09. Review status: criteria provided, single submitter. Criteria: Ambry Variant Classification Scheme 2023. Collection method: clinical testing. Allele origin: germline.
Comment: The p.I1378V variant (also known as c.4132A>G), located in coding exon 28 of the ALK gene, results from an A to G substitution at nucleotide position 4132. The isoleucine at codon 1378 is replaced by valine, an amino acid with highly similar properties. This amino acid position is not well conserved in available vertebrate species. In addition, the in silico prediction for this alteration is inconclusive. Since supporting evidence is limited at this time, the clinical significance of this alteration remains unclear.

NM_004304.5(ALK):c.4132A>G (p.Ile1378Val)

Gene: ALK (ALK receptor tyrosine kinase; minus strand). Cytogenetic location: 2p23.2.
Variant type: single nucleotide variant.
Coding change: c.4132A>G on transcript NM_004304.5 (MANE Select); coding-DNA position 4132, A replaced by G.
Protein change: p.Ile1378Val; replaces isoleucine 1378 with valine.
Molecular consequence: missense variant.
Genome position (GRCh38, 1-based): chr2:29,196,802, T>C on the plus strand (A>G on the coding strand, the complement: ALK is on the minus strand). VCF-style: chr2-29196802-T-C. GRCh37 (hg19) VCF-style: chr2-29419668-T-C.
Other names: c.928A>G, p.Ile310Val (NM_001353765.2); short protein forms I1378V, I310V.
Identifiers: ClinVar variation 846209 (VCV000846209.12), dbSNP rs1669033638, ClinGen allele CA346464984.